The following is an entry in ClinVar:

NM_001124758.3(SPNS2):c.1158C>A (p.Arg386=)

Gene: SPNS2 (SPNS lysolipid transporter 2, sphingosine-1-phosphate; plus strand). Cytogenetic location: 17p13.2.
Variant type: single nucleotide variant.
Coding change: c.1158C>A on transcript NM_001124758.3 (MANE Select); coding-DNA position 1158, C replaced by A.
Protein change: p.Arg386=; no amino-acid change (arginine 386 retained).
Molecular consequence: synonymous variant.
Genome position (GRCh38, 1-based): chr17:4,533,312, C>A. VCF-style: chr17-4533312-C-A. GRCh37 (hg19) VCF-style: chr17-4436607-C-A.
Identifiers: ClinVar variation 4988242 (VCV004988242.1).

ClinVar aggregate classification (germline): Likely benign (1 of 4 stars; one submission).

Conditions:
SPNS2-related disorder. Also called: SPNS2-related condition.

Submission:

PreventionGenetics, part of Exact Sciences
Classification: Likely benign for SPNS2-related condition. Last evaluated: 2025-12-02. Review status: criteria provided, single submitter. Criteria: ACMG Guidelines, 2015. Collection method: clinical testing. Allele origin: germline.
Comment: This variant is classified as likely benign based on ACMG/AMP sequence variant interpretation guidelines (Richards et al. 2015 PMID: 25741868, with internal and published modifications).